The following is an entry in ClinVar:

ClinVar aggregate classification (germline): Pathogenic (1 of 4 stars; one submission).

Conditions:
Hereditary cancer-predisposing syndrome. Also called: Neoplastic Syndromes, Hereditary; Tumor predisposition; Hereditary Cancer Syndrome; Hereditary neoplastic syndrome. Identifiers: Orphanet 140162, MedGen C0027672, MeSH D009386, MONDO:0015356.

Submission:

Ambry Genetics
Classification: Pathogenic for Hereditary cancer-predisposing syndrome. Last evaluated: 2025-12-17. Review status: criteria provided, single submitter. Criteria: Ambry Variant Classification Scheme 2023. Collection method: clinical testing. Allele origin: germline.
Comment: The c.420_421delTG pathogenic mutation, located in coding exon 3 of the TMEM127 gene, results from a deletion of two nucleotides at nucleotide positions 420 to 421, causing a translational frameshift with a predicted alternate stop codon (p.A141Hfs*11). This alteration occurs at the 3' terminus of the gene, is not expected to trigger nonsense-mediated mRNA decay, and impacts the last 41% of the protein. However, premature stop codons are typically deleterious in nature and a significant portion of the protein is affected (Ambry internal data). This variant is considered to be rare based on population cohorts in the Genome Aggregation Database (gnomAD). Based on the supporting evidence, this variant is interpreted as a disease-causing mutation.

NM_017849.4(TMEM127):c.420_421del (p.Ala141fs)

Gene: TMEM127 (transmembrane protein 127; minus strand). Cytogenetic location: 2q11.2.
Variant type: Microsatellite.
Coding change: c.420_421del on transcript NM_017849.4 (MANE Select); coding-DNA positions 420 to 421, 2 bases deleted (TG; older notation c.420_421delTG).
Protein change: p.Ala141fs; shifts the reading frame from alanine 141.
Molecular consequence: frameshift variant.
Genome position (GRCh38, 1-based): chr2:96,254,104-96,254,105, CA deleted on the plus strand (TG on the coding strand, the reverse complement: TMEM127 is on the minus strand); deleting any 2 consecutive bases within chr2:96,254,104-96,254,108 gives the same sequence; the c. name uses the placement nearest the transcript's 3' end. VCF-style (leftmost placement, unchanged base first): chr2-96254103-GCA-G. GRCh37 (hg19) VCF-style: chr2-96919841-GCA-G.
Other names: c.420_421delTG (NM_017849.3); c.420_421del, p.Ala141fs (NM_001193304.3); c.168_169del, p.Ala57fs (NM_001407282.1, NM_001407283.1); c.417_418GT[1], p.Ala141Hisfs (NM_017849.3); short protein forms A141fs, A57fs.
Identifiers: ClinVar variation 4841657 (VCV004841657.1).